The following is an entry in ClinVar:

NM_001018115.3(FANCD2):c.64+1_64+2del

Gene: FANCD2 (FA complementation group D2; plus strand). Cytogenetic location: 3p25.3.
Variant type: Deletion.
Coding change: c.64+1_64+2del on transcript NM_001018115.3 (MANE Select); the canonical splice donor site of the intron after coding-DNA position 64, 2 bases deleted (GT; older notation c.64+1_64+2delGT).
Molecular consequence: splice donor variant.
Genome position (GRCh38, 1-based): chr3:10,028,722-10,028,723, GT deleted. VCF-style (leftmost placement, unchanged base first): chr3-10028721-AGT-A. GRCh37 (hg19) VCF-style: chr3-10070405-AGT-A.
Other names: c.64+1_64+2del (NM_001319984.2, NM_001374253.1, NM_033084.6 and 2 more transcripts).
Identifiers: ClinVar variation 1067913 (VCV001067913.7), dbSNP rs777719596, ClinGen allele CA2249081.

ClinVar aggregate classification (germline): Likely pathogenic (1 of 4 stars; one submission).

Conditions:
Fanconi anemia (FA). Also called: Fanconi's anemia. Identifiers: Orphanet 84, MedGen C0015625, MeSH D005199, MONDO:0019391.

Allele frequency attached by ClinVar (database versions not stated): gnomAD exomes below 0.00001; ExAC 0.00001; gnomAD 0.00001.

Submission:

Labcorp Genetics (formerly Invitae), Labcorp
Classification: Likely pathogenic for Fanconi anemia. Last evaluated: 2023-12-21. Review status: criteria provided, single submitter. Criteria: Invitae Variant Classification Sherloc (09022015). Collection method: clinical testing. Allele origin: germline.
Comment: This sequence change affects a splice site in intron 2 of the FANCD2 gene. It is expected to disrupt RNA splicing. Variants that disrupt the donor or acceptor splice site typically lead to a loss of protein function (PMID: 16199547), and loss-of-function variants in FANCD2 are known to be pathogenic (PMID: 17436244). This variant is present in population databases (rs777719596, gnomAD 0.003%). This variant has not been reported in the literature in individuals affected with FANCD2-related conditions. ClinVar contains an entry for this variant (Variation ID: 1067913). Algorithms developed to predict the effect of sequence changes on RNA splicing suggest that this variant may disrupt the consensus splice site. In summary, the currently available evidence indicates that the variant is pathogenic, but additional data are needed to prove that conclusively. Therefore, this variant has been classified as Likely Pathogenic.

Literature cited by the submitters: PubMed 16199547; PubMed 17436244.